The following is an entry in ClinVar:

NM_032578.4(MYPN):c.2150C>T (p.Thr717Met)

Gene: MYPN (myopalladin; plus strand). Cytogenetic location: 10q21.3.
Variant type: single nucleotide variant.
Coding change: c.2150C>T on transcript NM_032578.4 (MANE Select); coding-DNA position 2150, C replaced by T.
Protein change: p.Thr717Met; replaces threonine 717 with methionine.
Molecular consequence: missense variant. On other transcripts: non-coding transcript variant (2).
Genome position (GRCh38, 1-based): chr10:68,174,242, C>T. VCF-style: chr10-68174242-C-T. GRCh37 (hg19) VCF-style: chr10-69933999-C-T.
Other names: c.2150C>T, p.Thr717Met (NM_001256267.2); c.1268C>T, p.Thr423Met (NM_001256268.2); short protein forms T423M, T717M.
Identifiers: ClinVar variation 664841 (VCV000664841.10), dbSNP rs141276802, ClinGen allele CA5522735.
Genomic context (GRCh38, chr10:68,174,242, plus strand): 5'-CCAATGCTCCCCCAGCGGTGACAACATCCAGTAAGCAGGTGAAGGCTCCTTCATCACAGA[C>T]GTTCAGCTTGGCCCGGCCGAAGTATTTCTTCCCCTCCACGAACACCACCGCAGCAACTGT-3'
Protein context (NP_115967.2, residues 707-727): SKQVKAPSSQ[Thr717Met]FSLARPKYFF

ClinVar aggregate classification (germline): Conflicting classifications of pathogenicity. Review status: criteria provided, conflicting classifications (1 of 4 stars). 4 submissions from 4 submitters: Uncertain significance (3); Likely benign (1). Last evaluated 2024-07-01.

Conditions:
Cardiovascular phenotype. Identifiers: MedGen CN230736.
Primary dilated cardiomyopathy (DCM). Also called: Dilated Cardiomyopathy. Identifiers: Orphanet 217604, MedGen C0007193, MeSH D002311, MONDO:0005021, HP:0001644. Inheritance: Various modes of inheritance.
Dilated cardiomyopathy 1KK (CMD1KK). Identifiers: Orphanet 154, Orphanet 75249, MedGen C3714995, MONDO:0014100, OMIM 615248.

Allele frequency attached by ClinVar (database versions not stated): TOPMed 0.00002; gnomAD 0.00003; gnomAD exomes 0.00004 and 0.00005; ExAC 0.00005; ESP Exome Variant Server 0.00008.
gnomAD v4.1: 78 of 1,614,066 alleles (0.0048%); highest among the groups gnomAD compares: South Asian, 0.018%; no homozygotes.

Submissions (4):

Ambry Genetics
Classification: Uncertain significance for Cardiovascular phenotype. Last evaluated: 2024-07-01. Review status: criteria provided, single submitter. Criteria: Ambry Variant Classification Scheme 2023. Collection method: clinical testing. Allele origin: germline.
Comment: The p.T717M variant (also known as c.2150C>T), located in coding exon 10 of the MYPN gene, results from a C to T substitution at nucleotide position 2150. The threonine at codon 717 is replaced by methionine, an amino acid with similar properties. This alteration has been reported in a pediatric primary cardiomyopathy cohort; however, clinical details were limited (K&uuml;hnisch J et al. Clin Genet, 2019 12;96:549-559). This amino acid position is not well conserved in available vertebrate species. In addition, this alteration is predicted to be tolerated by in silico analysis. Since supporting evidence is limited at this time, the clinical significance of this alteration remains unclear.

Blueprint Genetics
Classification: Likely benign. Last evaluated: 2023-08-24. Review status: criteria provided, single submitter. Criteria: ACMG Guidelines, 2015. Collection method: clinical testing. Allele origin: germline.

Labcorp Genetics (formerly Invitae), Labcorp
Classification: Uncertain significance for Dilated cardiomyopathy 1KK. Last evaluated: 2022-07-19. Review status: criteria provided, single submitter. Criteria: Invitae Variant Classification Sherloc (09022015). Collection method: clinical testing. Allele origin: germline.
Comment: This sequence change replaces threonine, which is neutral and polar, with methionine, which is neutral and non-polar, at codon 717 of the MYPN protein (p.Thr717Met). This variant is present in population databases (rs141276802, gnomAD 0.03%). This variant has not been reported in the literature in individuals affected with MYPN-related conditions. ClinVar contains an entry for this variant (Variation ID: 664841). Algorithms developed to predict the effect of missense changes on protein structure and function (SIFT, PolyPhen-2, Align-GVGD) all suggest that this variant is likely to be tolerated. In summary, the available evidence is currently insufficient to determine the role of this variant in disease. Therefore, it has been classified as a Variant of Uncertain Significance.

Klaassen Lab, Charite University Medicine Berlin
Classification: Uncertain significance for Primary dilated cardiomyopathy. Last evaluated: 2019-07-03. Review status: criteria provided, single submitter. Criteria: ACMG Guidelines, 2015. Collection method: research. Allele origin: germline. Affected: yes.

Literature cited by the submitters: PubMed 31568572 (cited by Ambry Genetics and Klaassen Lab, Charite University Medicine Berlin); PubMed 31333075 (cited by Klaassen Lab, Charite University Medicine Berlin).